The following is an entry in ClinVar:

NM_000138.5(FBN1):c.3595_3608dup (p.Ile1203fs)

Gene: FBN1 (fibrillin 1; minus strand). Cytogenetic location: 15q21.1.
Variant type: Duplication.
Coding change: c.3595_3608dup on transcript NM_000138.5 (MANE Select); coding-DNA positions 3595 to 3608, 14 bases duplicated (GATGAATGCAGCAT).
Protein change: p.Ile1203fs; shifts the reading frame from isoleucine 1203.
Molecular consequence: frameshift variant.
Genome position (GRCh38, 1-based): chr15:48,485,478-48,485,491, ATGCTGCATTCATC duplicated on the plus strand (GATGAATGCAGCAT on the coding strand, the reverse complement: FBN1 is on the minus strand); duplicating any 14 consecutive bases within chr15:48,485,478-48,485,492 gives the same sequence; the c. name uses the placement nearest the transcript's 3' end. VCF-style (leftmost placement, unchanged base first): chr15-48485477-T-TATGCTGCATTCATC. GRCh37 (hg19) VCF-style: chr15-48777674-T-TATGCTGCATTCATC.
Other names: c.3595_3608dupGATGAATGCAGCAT (NM_000138.4); short protein forms I1203fs.
Identifiers: ClinVar variation 581002 (VCV000581002.8), dbSNP rs1566908947, ClinGen allele CA891843839.
Genomic context (GRCh38, chr15:48,485,477, plus strand): 5'-ACAGCTACATTCATAGCTGCCTTCAGAGTTTGTGCAGAAGGTTTCACAACCACCATTCAT[T>TATGCTGCATTCATC]ATGCTGCATTCATCAATGTCTAAAAGAAATGAAAATAATATCACCTTCTGATATGGTTTG-3'

ClinVar aggregate classification (germline): Pathogenic (1 of 4 stars; one submission).

Conditions:
Familial thoracic aortic aneurysm and aortic dissection (TAAD). Also called: Thoracic aortic aneurysms and dissections. Identifiers: Orphanet 91387, MedGen C4707243, MONDO:0019625.
Marfan syndrome (MFS). Also called: FBN1-Related Marfan Syndrome; Marfan syndrome type 1; Marfan's syndrome; Marfan syndrome, classic; MARFAN SYNDROME, TYPE I. Identifiers: Orphanet 284963, Orphanet 558, MedGen C0024796, MONDO:0007947, OMIM 154700.

Submission:

Labcorp Genetics (formerly Invitae), Labcorp
Classification: Pathogenic for Marfan syndrome; Familial thoracic aortic aneurysm and aortic dissection. Last evaluated: 2018-05-09. Review status: criteria provided, single submitter. Criteria: Invitae Variant Classification Sherloc (09022015). Collection method: clinical testing. Allele origin: germline.
Comment: This sequence change creates a premature translational stop signal (p.Ile1203Metfs*6) in the FBN1 gene. It is expected to result in an absent or disrupted protein product. For these reasons, this variant has been classified as Pathogenic. Loss-of-function variants in FBN1 are known to be pathogenic (PMID: 17657824, 19293843). This variant has been observed in an individual affected with Marfan syndrome or a Marfan-like phenotype (PMID: 17627385). This variant is not present in population databases (ExAC no frequency).

Literature cited by the submitters: PubMed 17657824; PubMed 19293843; PubMed 17627385.